The following is an entry in ClinVar:

NM_021914.7(CFL2):c.-1346G>A

Genes: CFL2 (cofilin 2; minus strand), LOC130055475 (ATAC-STARR-seq lymphoblastoid silent region 5668; plus strand). Cytogenetic location: 14q13.1.
Variant type: single nucleotide variant.
Coding change: c.-1346G>A on transcript NM_021914.7; 1346 bases upstream of the start codon, G replaced by A.
Genome position (GRCh38, 1-based): chr14:34,715,022, C>T on the plus strand (G>A on the coding strand, the complement: CFL2 is on the minus strand). VCF-style: chr14-34715022-C-T. GRCh37 (hg19) VCF-style: chr14-35184228-C-T.
Identifiers: ClinVar variation 668881 (VCV000668881.3), dbSNP rs17525727, ClinGen allele CA15804324.

ClinVar aggregate classification (germline): Benign (1 of 4 stars; one submission).

Allele frequency attached by ClinVar (database versions not stated): gnomAD 0.12456 and 0.11790; TOPMed 0.11672; 1000 Genomes Project 30x 0.14054; 1000 Genomes Project 0.14477.

Submission:

GeneDx
Classification: Benign. Last evaluated: 2018-06-14. Review status: criteria provided, single submitter. Criteria: GeneDx Variant Classification (06012015). Collection method: clinical testing. Allele origin: germline. Affected: yes.
Comment: This variant is considered likely benign or benign based on one or more of the following criteria: it is a conservative change, it occurs at a poorly conserved position in the protein, it is predicted to be benign by multiple in silico algorithms, and/or has population frequency not consistent with disease.